The following is an entry in ClinVar:

ClinVar aggregate classification (germline): Uncertain significance (1 of 4 stars; one submission).

Submission:

GeneDx
Classification: Uncertain significance. Last evaluated: 2024-03-25. Review status: criteria provided, single submitter. Criteria: GeneDx Variant Classification Process June 2021. Collection method: clinical testing. Allele origin: germline. Affected: yes.
Comment: Not observed at significant frequency in large population cohorts (gnomAD); In silico analysis supports that this missense variant has a deleterious effect on protein structure/function; Has not been previously published as pathogenic or benign to our knowledge

NM_003238.6(TGFB2):c.984G>C (p.Arg328Ser)

Gene: TGFB2 (transforming growth factor beta 2; plus strand). Cytogenetic location: 1q41.
Variant type: single nucleotide variant.
Coding change: c.984G>C on transcript NM_003238.6 (MANE Select); coding-DNA position 984, G replaced by C.
Protein change: p.Arg328Ser; replaces arginine 328 with serine.
Molecular consequence: missense variant. On other transcripts: non-coding transcript variant (2).
Genome position (GRCh38, 1-based): chr1:218,437,394, G>C. VCF-style: chr1-218437394-G-C. GRCh37 (hg19) VCF-style: chr1-218610736-G-C.
Other names: c.1068G>C, p.Arg356Ser (NM_001135599.4); short protein forms R328S, R356S.
Identifiers: ClinVar variation 3371537 (VCV003371537.1).
Genomic context (GRCh38, chr1:218,437,394, plus strand): 5'-TTTTAACAGAAATGTGCAGGATAATTGCTGCCTACGTCCACTTTACATTGATTTCAAGAG[G>C]GATCTAGGGTGGAAATGGATACACGAACCCAAAGGGTACAATGCCAACTTCTGTGCTGGA-3'
Protein context (NP_003229.1, residues 318-338): CLRPLYIDFK[Arg328Ser]DLGWKWIHEP